The following is an entry in ClinVar:

NM_001792.5(CDH2):c.649G>A (p.Gly217Ser)

Gene: CDH2 (cadherin 2; minus strand). Cytogenetic location: 18q12.1.
Variant type: single nucleotide variant.
Coding change: c.649G>A on transcript NM_001792.5 (MANE Select); coding-DNA position 649, G replaced by A.
Protein change: p.Gly217Ser; replaces glycine 217 with serine.
Molecular consequence: missense variant.
Genome position (GRCh38, 1-based): chr18:28,009,770, C>T on the plus strand (G>A on the coding strand, the complement: CDH2 is on the minus strand). VCF-style: chr18-28009770-C-T. GRCh37 (hg19) VCF-style: chr18-25589734-C-T.
Other names: c.556G>A, p.Gly186Ser (NM_001308176.2); short protein forms G186S, G217S.
Identifiers: ClinVar variation 5017328 (VCV005017328.1).
Genomic context (GRCh38, chr18:28,009,770, plus strand): 5'-ATCTTACATGAAACCGGGCTATCTGCTCGCGATCCAGGGGCTTTGTCACCGACAGCTGAC[C>T]CGAGATGGGGTTGATAATGAAGATACCAGTTGGAGGCTGGTCAGCTCCTGGCCCAGTTAC-3'
Protein context (NP_001783.2, residues 207-227): TGIFIINPIS[Gly217Ser]QLSVTKPLDR

ClinVar aggregate classification (germline): Uncertain significance (1 of 4 stars; one submission).

Submission:

GeneDx
Classification: Uncertain significance. Last evaluated: 2026-03-24. Review status: criteria provided, single submitter. Criteria: GeneDx Variant Classification Process June 2021. Collection method: clinical testing. Allele origin: germline.
Comment: Not observed at significant frequency in large population cohorts (gnomAD); In silico analysis supports that this missense variant has a deleterious effect on protein structure/function; Has not been previously published as pathogenic or benign to our knowledge